The following is an entry in ClinVar:

ClinVar aggregate classification (germline): Uncertain significance (1 of 4 stars; one submission).

Allele frequency attached by ClinVar (database versions not stated): gnomAD 0.00001; gnomAD exomes 0.00001; TOPMed 0.00002; ESP Exome Variant Server 0.00008.
gnomAD v4.1: 16 of 1,601,168 alleles (0.001%); highest among the groups gnomAD compares: Non-Finnish European, 0.0014%; no homozygotes.

Submission:

Ambry Genetics
Classification: Uncertain significance. Last evaluated: 2023-01-22. Review status: criteria provided, single submitter. Criteria: Ambry Variant Classification Scheme 2023. Collection method: clinical testing. Allele origin: germline.
Comment: The p.L74P variant (also known as c.221T>C), located in coding exon 3 of the STAP1 gene, results from a T to C substitution at nucleotide position 221. The leucine at codon 74 is replaced by proline, an amino acid with similar properties. This amino acid position is conserved. In addition, this alteration is predicted to be deleterious by in silico analysis. Since supporting evidence is limited at this time, the clinical significance of this alteration remains unclear.

NM_012108.4(STAP1):c.221T>C (p.Leu74Pro)

Genes: STAP1 (signal transducing adaptor family member 1; plus strand), LOC123477751 (Sharpr-MPRA regulatory region 12077; plus strand). Cytogenetic location: 4q13.2.
Variant type: single nucleotide variant.
Coding change: c.221T>C on transcript NM_012108.4 (MANE Select); coding-DNA position 221, T replaced by C.
Protein change: p.Leu74Pro; replaces leucine 74 with proline.
Molecular consequence: missense variant.
Genome position (GRCh38, 1-based): chr4:67,575,413, T>C. VCF-style: chr4-67575413-T-C. GRCh37 (hg19) VCF-style: chr4-68441131-T-C.
Other names: c.221T>C, p.Leu74Pro (NM_001317769.2); short protein forms L74P.
Identifiers: ClinVar variation 2448573 (VCV002448573.2), dbSNP rs371433434, ClinGen allele CA98651579.